The following is an entry in ClinVar:

ClinVar aggregate classification (germline): Pathogenic (1 of 4 stars; one submission).

Submission:

Labcorp Genetics (formerly Invitae), Labcorp
Classification: Pathogenic. Last evaluated: 2024-05-25. Review status: criteria provided, single submitter. Criteria: Invitae Variant Classification Sherloc (09022015). Collection method: clinical testing. Allele origin: germline.
Comment: This sequence change creates a premature translational stop signal (p.Gln118*) in the PLS3 gene. It is expected to result in an absent or disrupted protein product. Loss-of-function variants in PLS3 are known to be pathogenic (PMID: 24088043, 30405713, 33166085). This variant is not present in population databases (gnomAD no frequency). This variant has not been reported in the literature in individuals affected with PLS3-related conditions. For these reasons, this variant has been classified as Pathogenic.

Literature cited by the submitters: PubMed 24088043; PubMed 30405713; PubMed 33166085.

NM_005032.7(PLS3):c.352C>T (p.Gln118Ter)

Gene: PLS3 (plastin 3; plus strand). Cytogenetic location: Xq23.
Variant type: single nucleotide variant.
Coding change: c.352C>T on transcript NM_005032.7 (MANE Select); coding-DNA position 352, C replaced by T.
Protein change: p.Gln118Ter; replaces glutamine 118 with a stop codon.
Molecular consequence: nonsense.
Genome position (GRCh38, 1-based): chrX:115,629,312, C>T. VCF-style: chrX-115629312-C-T. GRCh37 (hg19) VCF-style: chrX-114863624-C-T.
Other names: c.352C>T, p.Gln118Ter (NM_001136025.5); c.271C>T, p.Gln91Ter (NM_001172335.3); c.286C>T, p.Gln96Ter (NM_001282337.2); c.217C>T, p.Gln73Ter (NM_001282338.2); short protein forms Q73*, Q96*, Q118*, Q91*.
Identifiers: ClinVar variation 2699544 (VCV002699544.3), dbSNP rs2521410518, ClinGen allele CA414333115.